The following is an entry in ClinVar:

ClinVar aggregate classification (germline): Uncertain significance (1 of 4 stars; one submission).

Conditions:
Peroxisome biogenesis disorder 2B (PBD2B). Identifiers: Orphanet 44, MedGen C3550234, MONDO:0008736, OMIM 202370.

Allele frequency attached by ClinVar (database versions not stated): TOPMed below 0.00001.
gnomAD v4.1: 2 of 1,614,064 alleles (0.00012%); highest among the groups gnomAD compares: Admixed American, 0.0017%; no homozygotes.

Submission:

Labcorp Genetics (formerly Invitae), Labcorp
Classification: Uncertain significance for Peroxisome biogenesis disorder 2B. Last evaluated: 2022-01-13. Review status: criteria provided, single submitter. Criteria: Invitae Variant Classification Sherloc (09022015). Collection method: clinical testing. Allele origin: germline.
Comment: This sequence change replaces valine, which is neutral and non-polar, with isoleucine, which is neutral and non-polar, at codon 265 of the PEX5 protein (p.Val265Ile). This variant is present in population databases (no rsID available, gnomAD 0.0009%). This variant has not been reported in the literature in individuals affected with PEX5-related conditions. Algorithms developed to predict the effect of missense changes on protein structure and function (SIFT, PolyPhen-2, Align-GVGD) all suggest that this variant is likely to be tolerated. In summary, the available evidence is currently insufficient to determine the role of this variant in disease. Therefore, it has been classified as a Variant of Uncertain Significance.

NM_001351132.2(PEX5):c.793G>A (p.Val265Ile)

Gene: PEX5 (peroxisomal biogenesis factor 5; plus strand). Cytogenetic location: 12p13.31.
Variant type: single nucleotide variant.
Coding change: c.793G>A on transcript NM_001351132.2 (MANE Select); coding-DNA position 793, G replaced by A.
Protein change: p.Val265Ile; replaces valine 265 with isoleucine.
Molecular consequence: missense variant.
Genome position (GRCh38, 1-based): chr12:7,202,651, G>A. VCF-style: chr12-7202651-G-A. GRCh37 (hg19) VCF-style: chr12-7355247-G-A.
Other names: c.793G>A, p.Val265Ile (NM_000319.5, NM_001131025.2, NM_001131026.2 and 6 more transcripts); c.838G>A, p.Val280Ile (NM_001131023.2); c.682G>A, p.Val228Ile (NM_001131024.2, NM_001351124.3, NM_001351126.2 and 10 more transcripts); c.727G>A, p.Val243Ile (NM_001351135.3, NM_001351138.2); short protein forms V265I, V228I, V243I, V280I.
Identifiers: ClinVar variation 1397914 (VCV001397914.3), dbSNP rs776020873, ClinGen allele CA232471543.
Genomic context (GRCh38, chr12:7,202,651, plus strand): 5'-GACCATCCTTTTTTGTCGCAGGGTACATCAGATGCCTGGGTTGACCAGTTCACAAGACCA[G>A]TAAACACATCTGCCCTTGATATGGAGTTTGAACGAGCCAAGTCAGCTATAGAGGTGAGAG-3'
Protein context (NP_001338061.1, residues 255-275): DAWVDQFTRP[Val265Ile]NTSALDMEFE